The following is an entry in ClinVar:

NM_001287.6(CLCN7):c.1973A>G (p.His658Arg)

Gene: CLCN7 (chloride voltage-gated channel 7; minus strand). Cytogenetic location: 16p13.3.
Variant type: single nucleotide variant.
Coding change: c.1973A>G on transcript NM_001287.6 (MANE Select); coding-DNA position 1973, A replaced by G.
Protein change: p.His658Arg; replaces histidine 658 with arginine.
Molecular consequence: missense variant.
Genome position (GRCh38, 1-based): chr16:1,448,395, T>C on the plus strand (A>G on the coding strand, the complement: CLCN7 is on the minus strand). VCF-style: chr16-1448395-T-C. GRCh37 (hg19) VCF-style: chr16-1498396-T-C.
Other names: c.1901A>G, p.His634Arg (NM_001114331.3); short protein forms H658R, H634R.
Identifiers: ClinVar variation 2092602 (VCV002092602.4), dbSNP rs1417608149, ClinGen allele CA394186062.

ClinVar aggregate classification (germline): Uncertain significance (1 of 4 stars; one submission).

Allele frequency attached by ClinVar (database versions not stated): gnomAD exomes below 0.00001; TOPMed below 0.00001.
gnomAD v4.1: 1 of 1,612,744 alleles (0.000062%); highest among the groups gnomAD compares: East Asian, 0.0022%; no homozygotes.

Submission:

Labcorp Genetics (formerly Invitae), Labcorp
Classification: Uncertain significance. Last evaluated: 2024-11-05. Review status: criteria provided, single submitter. Criteria: Invitae Variant Classification Sherloc (09022015). Collection method: clinical testing. Allele origin: germline.
Comment: This sequence change replaces histidine, which is basic and polar, with arginine, which is basic and polar, at codon 658 of the CLCN7 protein (p.His658Arg). This variant is present in population databases (no rsID available, gnomAD 0.006%). This variant has not been reported in the literature in individuals affected with CLCN7-related conditions. ClinVar contains an entry for this variant (Variation ID: 2092602). Invitae Evidence Modeling of protein sequence and biophysical properties (such as structural, functional, and spatial information, amino acid conservation, physicochemical variation, residue mobility, and thermodynamic stability) indicates that this missense variant is expected to disrupt CLCN7 protein function with a positive predictive value of 95%. In summary, the available evidence is currently insufficient to determine the role of this variant in disease. Therefore, it has been classified as a Variant of Uncertain Significance.